The following is an entry in ClinVar:

ClinVar aggregate classification (germline): Uncertain significance (1 of 4 stars; one submission).

Submission:

Ambry Genetics
Classification: Uncertain significance. Last evaluated: 2022-08-17. Review status: criteria provided, single submitter. Criteria: Ambry Variant Classification Scheme 2023. Collection method: clinical testing. Allele origin: germline.
Comment: The p.N259D variant (also known as c.775A>G), located in coding exon 6 of the BUB3 gene, results from an A to G substitution at nucleotide position 775. The asparagine at codon 259 is replaced by aspartic acid, an amino acid with highly similar properties. This amino acid position is conserved. In addition, the in silico prediction for this alteration is inconclusive. Since supporting evidence is limited at this time, the clinical significance of this alteration remains unclear.

NM_004725.4(BUB3):c.775A>G (p.Asn259Asp)

Gene: BUB3 (BUB3 mitotic checkpoint protein; plus strand). Cytogenetic location: 10q26.13.
Variant type: single nucleotide variant.
Coding change: c.775A>G on transcript NM_004725.4 (MANE Select); coding-DNA position 775, A replaced by G.
Protein change: p.Asn259Asp; replaces asparagine 259 with aspartic acid.
Molecular consequence: missense variant.
Genome position (GRCh38, 1-based): chr10:123,162,632, A>G. VCF-style: chr10-123162632-A-G. GRCh37 (hg19) VCF-style: chr10-124922148-A-G.
Other names: c.775A>G, p.Asn259Asp (NM_001007793.3); short protein forms N259D.
Identifiers: ClinVar variation 1760479 (VCV001760479.2), dbSNP rs2493766744, ClinGen allele CA378626883.